The following is an entry in ClinVar:

ClinVar aggregate classification (germline): Uncertain significance (1 of 4 stars; one submission).

Conditions:
Inborn genetic diseases. Identifiers: MedGen C0950123, MeSH D030342.

gnomAD v4.1: 11 of 1,210,807 alleles (0.00091%); highest among the groups gnomAD compares: Non-Finnish European, 0.0011%; no homozygotes.

Submission:

Ambry Genetics
Classification: Uncertain significance for Inborn genetic diseases. Last evaluated: 2025-12-29. Review status: criteria provided, single submitter. Criteria: Ambry Variant Classification Scheme 2023. Collection method: clinical testing. Allele origin: germline.
Comment: The c.349G>T (p.A117S) alteration is located in exon 3 (coding exon 2) of the IL1RAPL1 gene. This alteration results from a G to T substitution at nucleotide position 349, causing the alanine (A) at amino acid position 117 to be replaced by a serine (S). Based on data from gnomAD, the T allele has an overall frequency of <0.001% (1/182916) total alleles studied. The highest observed frequency was 0.001% (1/81435) of European (non-Finnish) alleles. Based on insufficient or conflicting evidence, the clinical significance of this alteration remains unclear.

NM_014271.4(IL1RAPL1):c.349G>T (p.Ala117Ser)

Gene: IL1RAPL1 (interleukin 1 receptor accessory protein like 1; plus strand). Cytogenetic location: Xp21.3.
Variant type: single nucleotide variant.
Coding change: c.349G>T on transcript NM_014271.4 (MANE Select); coding-DNA position 349, G replaced by T.
Protein change: p.Ala117Ser; replaces alanine 117 with serine.
Molecular consequence: missense variant.
Genome position (GRCh38, 1-based): chrX:29,283,204, G>T. VCF-style: chrX-29283204-G-T. GRCh37 (hg19) VCF-style: chrX-29301321-G-T.
Other names: short protein forms A117S.
Identifiers: ClinVar variation 4831494 (VCV004831494.1).
Genomic context (GRCh38, chrX:29,283,204, plus strand): 5'-AGCAAAGAAGAAGACTCCATTTGGTTCCGGCCAACATTGCTACAGGACAGTGGTCTCTAC[G>T]CCTGTGTCATCAGGTATCCCTTTAATTCTATTACTGCTGAATCAAAGAAAGCACAGGCTG-3'
Protein context (NP_055086.1, residues 107-127): PTLLQDSGLY[Ala117Ser]CVIRNSTYCM